The following is an entry in ClinVar:

NM_001394372.1(BICRA):c.2197CCAGCC[3] (p.Ala736_Thr737insProAla)

Gene: BICRA (BRD4 interacting chromatin remodeling complex associated protein; plus strand). Cytogenetic location: 19q13.33.
Variant type: Microsatellite.
Coding change: c.2197CCAGCC[3] on transcript NM_001394372.1 (MANE Select); three copies in a row of the 6-base unit CCAGCC starting at c.2197; the reference has two copies in a row; one copy, 6 bases duplicated.
Protein change: p.Ala736_Thr737insProAla.
Genome position (GRCh38, 1-based): chr19:47,682,072-47,682,077, CCAGCC duplicated; duplicating any 6 consecutive bases within chr19:47,682,065-47,682,077 gives the same sequence; the position shown is the placement nearest the transcript's 3' end. VCF-style (leftmost placement, unchanged base first): chr19-47682064-A-ACCCAGC. GRCh37 (hg19) VCF-style: chr19-48185321-A-ACCCAGC.
Other names: c.2197CCAGCC[3], p.Ala736_Thr737insProAla (NM_015711.3).
Identifiers: ClinVar variation 5041363 (VCV005041363.1).

ClinVar aggregate classification (germline): Likely benign (1 of 4 stars; one submission).

Submission:

CeGaT Center for Human Genetics Tuebingen
Classification: Likely benign. Last evaluated: 2026-09-01. Review status: criteria provided, single submitter. Criteria: CeGaT Center For Human Genetics Tuebingen Variant Classification Criteria Version 2. Collection method: clinical testing. Allele origin: germline. Affected: yes. Observed: 1 variant allele.
Comment: BICRA: PM4, BS2